The following is an entry in ClinVar:

ClinVar aggregate classification (germline): Uncertain significance. Review status: criteria provided, multiple submitters, no conflicts (2 of 4 stars). 2 submissions from 2 submitters: Uncertain significance (2). Last evaluated 2025-11-17.

Conditions:
Hereditary cancer-predisposing syndrome. Also called: Neoplastic Syndromes, Hereditary; Tumor predisposition; Hereditary Cancer Syndrome; Hereditary neoplastic syndrome. Identifiers: Orphanet 140162, MedGen C0027672, MeSH D009386, MONDO:0015356.
POLD1-related polyposis and colorectal cancer syndrome (CRCS10). Also called: Colorectal cancer 10; COLORECTAL CANCER, SUSCEPTIBILITY TO, ON CHROMOSOME 19q; Colorectal cancer, susceptibility to, 10. Identifiers: Orphanet 220460, MedGen C2675481, MONDO:0012953, OMIM 612591.

Submissions (2):

Labcorp Genetics (formerly Invitae), Labcorp
Classification: Uncertain significance for POLD1-related polyposis and colorectal cancer syndrome. Last evaluated: 2025-11-17. Review status: criteria provided, single submitter. Criteria: Invitae Variant Classification Sherloc (09022015). Collection method: clinical testing. Allele origin: germline.
Comment: This sequence change replaces glycine, which is neutral and non-polar, with valine, which is neutral and non-polar, at codon 134 of the POLD1 protein (p.Gly134Val). This variant is not present in population databases (gnomAD no frequency). This variant has not been reported in the literature in individuals affected with POLD1-related conditions. ClinVar contains an entry for this variant (Variation ID: 3421943). Invitae Evidence Modeling of protein sequence and biophysical properties (such as structural, functional, and spatial information, amino acid conservation, physicochemical variation, residue mobility, and thermodynamic stability) indicates that this missense variant is expected to disrupt POLD1 protein function with a positive predictive value of 80%. In summary, the available evidence is currently insufficient to determine the role of this variant in disease. Therefore, it has been classified as a Variant of Uncertain Significance.

Ambry Genetics
Classification: Uncertain significance for Hereditary cancer-predisposing syndrome. Last evaluated: 2024-07-03. Review status: criteria provided, single submitter. Criteria: Ambry Variant Classification Scheme 2023. Collection method: clinical testing. Allele origin: germline.
Comment: The p.G134V variant (also known as c.401G>T), located in coding exon 3 of the POLD1 gene, results from a G to T substitution at nucleotide position 401. The glycine at codon 134 is replaced by valine, an amino acid with dissimilar properties. This amino acid position is conserved. In addition, this alteration is predicted to be deleterious by in silico analysis. Based on the available evidence, the clinical significance of this variant remains unclear.

NM_002691.4(POLD1):c.401G>T (p.Gly134Val)

Gene: POLD1 (DNA polymerase delta 1, catalytic subunit; plus strand). Cytogenetic location: 19q13.33.
Variant type: single nucleotide variant.
Coding change: c.401G>T on transcript NM_002691.4 (MANE Select); coding-DNA position 401, G replaced by T.
Protein change: p.Gly134Val; replaces glycine 134 with valine.
Molecular consequence: missense variant. On other transcripts: non-coding transcript variant (1).
Genome position (GRCh38, 1-based): chr19:50,401,862, G>T. VCF-style: chr19-50401862-G-T. GRCh37 (hg19) VCF-style: chr19-50905119-G-T.
Other names: c.401G>T, p.Gly134Val (NM_001256849.1, NM_001308632.1); short protein forms G134V.
Identifiers: ClinVar variation 3421943 (VCV003421943.3).